The following is an entry in ClinVar:

NM_054012.4(ASS1):c.130_132delinsA (p.Phe44fs)

Gene: ASS1 (argininosuccinate synthase 1; plus strand). Cytogenetic location: 9q34.11.
Variant type: Indel.
Coding change: c.130_132delinsA on transcript NM_054012.4 (MANE Select); coding-DNA positions 130 to 132, TTC replaced by A.
Protein change: p.Phe44fs; shifts the reading frame from phenylalanine 44.
Molecular consequence: frameshift variant.
Genome position (GRCh38, 1-based): chr9:130,454,329-130,454,331, TTC replaced by A. VCF-style: chr9-130454329-TTC-A. GRCh37 (hg19) VCF-style: chr9-133329716-TTC-A.
Other names: c.130_132delinsA, p.Phe44fs (NM_000050.4); short protein forms F44fs.
Identifiers: ClinVar variation 1726350 (VCV001726350.2), dbSNP rs2490520604, ClinGen allele CA2580079795.

ClinVar aggregate classification (germline): Likely pathogenic (1 of 4 stars; one submission).

Conditions:
Citrullinemia type I (CTNL1). Also called: ASS DEFICIENCY; argininosuccinate synthetase deficiency. Identifiers: Orphanet 247525, MedGen C4721769, MONDO:0008988, OMIM 215700.

Submission:

Myriad Genetics, Inc.
Classification: Likely pathogenic for Citrullinemia type I. Last evaluated: 2021-12-16. Review status: criteria provided, single submitter. Criteria: Myriad Women's Health Autosomal Recessive and X-Linked Classification Criteria (2021). Collection method: clinical testing. Allele origin: unknown.
Comment: NM_000050.4(ASS1):c.130_132delTTCinsA(F44Rfs*18) is expected to be pathogenic in the context of citrullinemia type 1. This variant is predicted to lead to an abnormal or absent protein product due to the creation of a premature termination codon in ASS1, a gene where loss-of-function variants are known to be pathogenic. Please note: this variant was assessed in the context of healthy population screening.